The following is an entry in ClinVar:

ClinVar aggregate classification (germline): Pathogenic. Review status: reviewed by expert panel (3 of 4 stars). 2 submissions from 2 submitters: Pathogenic (1). 1 of the submissions does not count toward it. Last evaluated 2016-10-18.

Conditions:
Breast-ovarian cancer, familial, susceptibility to, 2 (BROVCA2). Also called: BRCA2 Hereditary Breast and Ovarian Cancer. Identifiers: Orphanet 145, MedGen C2675520, MONDO:0012933, OMIM 612555. Disease mechanism: loss of function.

Submissions (2):

Evidence-based Network for the Interpretation of Germline Mutant Alleles (ENIGMA)
Classification: Pathogenic for Breast-ovarian cancer, familial, susceptibility to, 2. Last evaluated: 2016-10-18. Review status: reviewed by expert panel. Criteria: ENIGMA BRCA1/2 Classification Criteria (2015). Collection method: curation. Allele origin: germline.
Comment: Variant allele predicted to encode a truncated non-functional protein.

Consortium of Investigators of Modifiers of BRCA1/2 (CIMBA), c/o University of Cambridge
Classification: Pathogenic for Breast-ovarian cancer, familial, susceptibility to, 2. Last evaluated: 2015-10-02. Review status: criteria provided, single submitter. Criteria: CIMBA Mutation Classification guidelines May 2016. Collection method: clinical testing. Allele origin: germline. Not counted in ClinVar's aggregate classification.

NM_000059.4(BRCA2):c.9134del (p.Leu3045fs)

Gene: BRCA2 (BRCA2 DNA repair associated; plus strand). Cytogenetic location: 13q13.1.
Variant type: Deletion.
Coding change: c.9134del on transcript NM_000059.4 (MANE Select); coding-DNA position 9134, one base deleted (T; older notation c.9134delT).
Protein change: p.Leu3045fs; shifts the reading frame from leucine 3045.
Molecular consequence: frameshift variant.
Genome position (GRCh38, 1-based): chr13:32,380,023, T deleted; the last of 4 consecutive T bases (chr13:32,380,020-32,380,023); deleting any one gives the same sequence. VCF-style (leftmost placement, unchanged base first): chr13-32380019-AT-A. GRCh37 (hg19) VCF-style: chr13-32954156-AT-A.
Other names: 9359delT; short protein forms L3045fs.
Identifiers: ClinVar variation 267141 (VCV000267141.7), dbSNP rs886040821, ClinGen allele CA10589549.